The following is an entry in ClinVar:

NM_032578.4(MYPN):c.1830A>C (p.Glu610Asp)

Gene: MYPN (myopalladin; plus strand). Cytogenetic location: 10q21.3.
Variant type: single nucleotide variant.
Coding change: c.1830A>C on transcript NM_032578.4 (MANE Select); coding-DNA position 1830, A replaced by C.
Protein change: p.Glu610Asp; replaces glutamic acid 610 with aspartic acid.
Molecular consequence: missense variant. On other transcripts: non-coding transcript variant (2).
Genome position (GRCh38, 1-based): chr10:68,166,523, A>C. VCF-style: chr10-68166523-A-C. GRCh37 (hg19) VCF-style: chr10-69926280-A-C.
Other names: c.1830A>C (NM_032578.2, NM_032578.3); c.1830A>C, p.Glu610Asp (NM_001256267.2); c.948A>C, p.Glu316Asp (NM_001256268.2); short protein forms E610D, E316D.
Identifiers: ClinVar variation 1523427 (VCV001523427.10), dbSNP rs769460067, ClinGen allele CA376840384.

ClinVar aggregate classification (germline): Uncertain significance. Review status: criteria provided, multiple submitters, no conflicts (2 of 4 stars). 3 submissions from 3 submitters: Uncertain significance (3). Last evaluated 2024-11-07.

Conditions:
Dilated cardiomyopathy 1KK (CMD1KK). Identifiers: Orphanet 154, Orphanet 75249, MedGen C3714995, MONDO:0014100, OMIM 615248.
Cardiovascular phenotype. Identifiers: MedGen CN230736.

Allele frequency attached by ClinVar (database versions not stated): gnomAD 0.00001.
gnomAD v4.1: 2 of 1,614,052 alleles (0.00012%); highest among the groups gnomAD compares: African/African-American, 0.0027%; no homozygotes.

Submissions (3):

GeneDx
Classification: Uncertain significance. Last evaluated: 2024-11-07. Review status: criteria provided, single submitter. Criteria: GeneDx Variant Classification Process June 2021. Collection method: clinical testing. Allele origin: germline. Affected: yes.
Comment: Not observed at significant frequency in large population cohorts (gnomAD); In silico analysis indicates that this missense variant does not alter protein structure/function; Has not been previously published as pathogenic or benign to our knowledge

Ambry Genetics
Classification: Uncertain significance for Cardiovascular phenotype. Last evaluated: 2023-12-07. Review status: criteria provided, single submitter. Criteria: Ambry Variant Classification Scheme 2023. Collection method: clinical testing. Allele origin: germline.
Comment: The p.E610D variant (also known as c.1830A>C), located in coding exon 9 of the MYPN gene, results from an A to C substitution at nucleotide position 1830. The glutamic acid at codon 610 is replaced by aspartic acid, an amino acid with highly similar properties. This amino acid position is conserved. In addition, this alteration is predicted to be tolerated by in silico analysis. Since supporting evidence is limited at this time, the clinical significance of this alteration remains unclear.

Labcorp Genetics (formerly Invitae), Labcorp
Classification: Uncertain significance for Dilated cardiomyopathy 1KK. Last evaluated: 2022-06-20. Review status: criteria provided, single submitter. Criteria: Invitae Variant Classification Sherloc (09022015). Collection method: clinical testing. Allele origin: germline.
Comment: Algorithms developed to predict the effect of missense changes on protein structure and function (SIFT, PolyPhen-2, Align-GVGD) all suggest that this variant is likely to be tolerated. This variant has not been reported in the literature in individuals affected with MYPN-related conditions. This variant is present in population databases (no rsID available, gnomAD 0.0009%). This sequence change replaces glutamic acid, which is acidic and polar, with aspartic acid, which is acidic and polar, at codon 610 of the MYPN protein (p.Glu610Asp). In summary, the available evidence is currently insufficient to determine the role of this variant in disease. Therefore, it has been classified as a Variant of Uncertain Significance.